The following is an entry in ClinVar:

NM_152564.5(VPS13B):c.5520G>T (p.Lys1840Asn)

Gene: VPS13B (vacuolar protein sorting 13 homolog B; plus strand). Cytogenetic location: 8q22.2.
Variant type: single nucleotide variant.
Coding change: c.5520G>T on transcript NM_152564.5 (MANE Select); coding-DNA position 5520, G replaced by T.
Protein change: p.Lys1840Asn; replaces lysine 1840 with asparagine.
Molecular consequence: missense variant.
Genome position (GRCh38, 1-based): chr8:99,642,110, G>T. VCF-style: chr8-99642110-G-T. GRCh37 (hg19) VCF-style: chr8-100654338-G-T.
Other names: c.5595G>T, p.Lys1865Asn (NM_017890.5); short protein forms K1840N, K1865N.
Identifiers: ClinVar variation 1514125 (VCV001514125.7), dbSNP rs2133931905, ClinGen allele CA371872734.

ClinVar aggregate classification (germline): Uncertain significance. Review status: criteria provided, multiple submitters, no conflicts (2 of 4 stars). 3 submissions from 3 submitters: Uncertain significance (3). Last evaluated 2026-04-15.

Conditions:
Cohen syndrome (COH1). Also called: Cutis verticis gyrata, retinitis pigmentosa, and sensorineural deafness; PEPPER SYNDROME. Identifiers: Orphanet 193, MedGen C0265223, MONDO:0008999, OMIM 216550.
VPS13B-related disorder. Also called: VPS13B-related condition.

Submissions (3):

PreventionGenetics, part of Exact Sciences
Classification: Uncertain significance for VPS13B-related condition. Last evaluated: 2026-04-15. Review status: criteria provided, single submitter. Criteria: ACMG Guidelines, 2015. Collection method: clinical testing. Allele origin: germline.
Comment: The VPS13B c.5520G>T variant is predicted to result in the amino acid substitution p.Lys1840Asn. To our knowledge, this variant has not been reported in the literature or in a large population database (gnomAD), indicating this variant is rare. At this time, the clinical significance of this variant is uncertain due to the absence of conclusive functional and genetic evidence.

Labcorp Genetics (formerly Invitae), Labcorp
Classification: Uncertain significance for Cohen syndrome. Last evaluated: 2022-10-13. Review status: criteria provided, single submitter. Criteria: Invitae Variant Classification Sherloc (09022015). Collection method: clinical testing. Allele origin: germline.
Comment: This sequence change replaces lysine, which is basic and polar, with asparagine, which is neutral and polar, at codon 1865 of the VPS13B protein (p.Lys1865Asn). This variant is not present in population databases (gnomAD no frequency). This variant has not been reported in the literature in individuals affected with VPS13B-related conditions. ClinVar contains an entry for this variant (Variation ID: 1514125). Advanced modeling of protein sequence and biophysical properties (such as structural, functional, and spatial information, amino acid conservation, physicochemical variation, residue mobility, and thermodynamic stability) performed at Invitae indicates that this missense variant is not expected to disrupt VPS13B protein function. In summary, the available evidence is currently insufficient to determine the role of this variant in disease. Therefore, it has been classified as a Variant of Uncertain Significance.

New York Genome Center
Classification: Uncertain significance for Cohen syndrome. Last evaluated: 2021-07-02. Review status: criteria provided, single submitter. Criteria: NYGC Assertion Criteria 2020. Collection method: clinical testing. Allele origin: germline. Observed: 1 heterozygote.